The following is an entry in ClinVar:

NM_001005361.3(DNM2):c.1336-5C>G

Gene: DNM2 (dynamin 2; plus strand). Cytogenetic location: 19p13.2.
Variant type: single nucleotide variant.
Coding change: c.1336-5C>G on transcript NM_001005361.3 (MANE Select); 5 bases into the intron before coding-DNA position 1336, C replaced by G.
Molecular consequence: intron variant.
Genome position (GRCh38, 1-based): chr19:10,798,481, C>G. VCF-style: chr19-10798481-C-G. GRCh37 (hg19) VCF-style: chr19-10909157-C-G.
Other names: c.1336-5C>G (NM_001005360.3, NM_001190716.2, NM_004945.4 and 1 more transcripts).
Identifiers: ClinVar variation 2420046 (VCV002420046.5), dbSNP rs2513247807, ClinGen allele CA2580096236.
Genomic context (GRCh38, chr19:10,798,481, plus strand): 5'-TGGTTCATGTTGCTTCCCGTGCCACGAGGACCCCGCCAATGCGACCACTCTGCTTGTTCC[C>G]CCAGCTCAGTTCCTACCCCCGGTTGCGAGAGGAGACAGAGCGAATCGTCACCACTTACAT-3'

ClinVar aggregate classification (germline): Uncertain significance (1 of 4 stars; one submission).

Conditions:
Charcot-Marie-Tooth disease dominant intermediate B (CMTDIB). Also called: CHARCOT-MARIE-TOOTH NEUROPATHY, DOMINANT INTERMEDIATE B; Charcot-Marie-Tooth disease dominant intermediate 1; CMT DI1; Charcot-Marie-Tooth disease dominant intermediate I. Identifiers: Orphanet 100044, Orphanet 228179, MedGen C1847902, MONDO:0011674, OMIM 606482.

Allele frequency attached by ClinVar (database versions not stated): gnomAD exomes below 0.00001.
gnomAD v4.1: 2 of 1,614,168 alleles (0.00012%); highest among the groups gnomAD compares: Middle Eastern, 0.016%; no homozygotes.

Submission:

Labcorp Genetics (formerly Invitae), Labcorp
Classification: Uncertain significance for Charcot-Marie-Tooth disease dominant intermediate B. Last evaluated: 2022-08-07. Review status: criteria provided, single submitter. Criteria: Invitae Variant Classification Sherloc (09022015). Collection method: clinical testing. Allele origin: germline.
Comment: In summary, the available evidence is currently insufficient to determine the role of this variant in disease. Therefore, it has been classified as a Variant of Uncertain Significance. Algorithms developed to predict the effect of sequence changes on RNA splicing suggest that this variant may create or strengthen a splice site. This variant has not been reported in the literature in individuals affected with DNM2-related conditions. This variant is not present in population databases (gnomAD no frequency). This sequence change falls in intron 10 of the DNM2 gene. It does not directly change the encoded amino acid sequence of the DNM2 protein.